The following is an entry in ClinVar:

ClinVar aggregate classification (germline): Uncertain significance (1 of 4 stars; one submission).

Conditions:
Joubert syndrome 21 (JBTS21). Identifiers: MedGen C3810212, MONDO:0014288, OMIM 615636.

Allele frequency attached by ClinVar (database versions not stated): TOPMed below 0.00001.

Submission:

Labcorp Genetics (formerly Invitae), Labcorp
Classification: Uncertain significance for Joubert syndrome 21. Last evaluated: 2021-03-19. Review status: criteria provided, single submitter. Criteria: Invitae Variant Classification Sherloc (09022015). Collection method: clinical testing. Allele origin: germline.
Comment: In summary, the available evidence is currently insufficient to determine the role of this variant in disease. Therefore, it has been classified as a Variant of Uncertain Significance. Algorithms developed to predict the effect of missense changes on protein structure and function are either unavailable or do not agree on the potential impact of this missense change (SIFT: "Tolerated"; PolyPhen-2: "Probably Damaging"; Align-GVGD: "Class C0"). This variant has not been reported in the literature in individuals with CSPP1-related conditions. This variant is not present in population databases (ExAC no frequency). This sequence change replaces alanine with threonine at codon 804 of the CSPP1 protein (p.Ala804Thr). The alanine residue is moderately conserved and there is a small physicochemical difference between alanine and threonine.

NM_001382391.1(CSPP1):c.2425G>A (p.Ala809Thr)

Gene: CSPP1 (centrosome and spindle pole associated protein 1; plus strand). Cytogenetic location: 8q13.2.
Variant type: single nucleotide variant.
Coding change: c.2425G>A on transcript NM_001382391.1 (MANE Select); coding-DNA position 2425, G replaced by A.
Protein change: p.Ala809Thr; replaces alanine 809 with threonine.
Molecular consequence: missense variant.
Genome position (GRCh38, 1-based): chr8:67,159,024, G>A. VCF-style: chr8-67159024-G-A. GRCh37 (hg19) VCF-style: chr8-68071259-G-A.
Other names: c.1375G>A, p.Ala459Thr (NM_001291339.2); c.2344G>A, p.Ala782Thr (NM_001363131.2); c.2230G>A, p.Ala744Thr (NM_001363132.2); c.2149G>A, p.Ala717Thr (NM_001363133.2); c.2491G>A, p.Ala831Thr (NM_001364869.1); c.2311G>A, p.Ala771Thr (NM_001364870.1); c.2410G>A, p.Ala804Thr (NM_024790.7); short protein forms A831T, A717T, A744T, A804T, A459T, A809T, A771T, A782T.
Identifiers: ClinVar variation 1517553 (VCV001517553.8), dbSNP rs1283124706, ClinGen allele CA371189771.